The following is an entry in ClinVar:

NM_001009944.3(PKD1):c.1729G>T (p.Val577Leu)

Gene: PKD1 (polycystin 1, transient receptor potential channel interacting; minus strand). Cytogenetic location: 16p13.3.
Variant type: single nucleotide variant.
Coding change: c.1729G>T on transcript NM_001009944.3 (MANE Select); coding-DNA position 1729, G replaced by T.
Protein change: p.Val577Leu; replaces valine 577 with leucine.
Molecular consequence: missense variant.
Genome position (GRCh38, 1-based): chr16:2,116,112, C>A on the plus strand (G>T on the coding strand, the complement: PKD1 is on the minus strand). VCF-style: chr16-2116112-C-A. GRCh37 (hg19) VCF-style: chr16-2166113-C-A.
Other names: c.1729G>T, p.Val577Leu (NM_000296.4); short protein forms V577L.
Identifiers: ClinVar variation 3348058 (VCV003348058.1).

ClinVar aggregate classification (germline): Uncertain significance (0 of 4 stars; one submission).

Conditions:
PKD1-related disorder. Also called: PKD1-related condition.

Submission:

PreventionGenetics, part of Exact Sciences
Classification: Uncertain significance for PKD1-related condition. Last evaluated: 2024-04-04. Review status: no assertion criteria provided. Collection method: clinical testing. Allele origin: germline.
Comment: The PKD1 c.1729G>T variant is predicted to result in the amino acid substitution p.Val577Leu. To our knowledge, this variant has not been reported in the literature or in a large population database, indicating this variant is rare. Of note, a different substitution at the same codon, defined as c.1730T>G (p.Val577Gly), was reported in individuals with autosomal dominant polycystic kidney disease (ADPKD), but the clinical significance was uncertain (Audrézet et al. 2012. PubMed ID: 22508176, Supp. Table S6; Cornec-Le Gall et al. 2013. PubMed ID: 23431072, Suppl. Table 1). At this time, the clinical significance of the c.1729G>T (p.Val577Leu) variant is uncertain due to the absence of conclusive functional and genetic evidence.